The following is an entry in ClinVar:

ClinVar aggregate classification (germline): Pathogenic (1 of 4 stars; one submission).

Conditions:
Rare genetic deafness. Identifiers: Orphanet 96210, MedGen C5680250.

Submission:

Laboratory for Molecular Medicine, Mass General Brigham Personalized Medicine
Classification: Pathogenic for Rare genetic deafness. Last evaluated: 2016-05-05. Review status: criteria provided, single submitter. Criteria: LMM Criteria. Collection method: clinical testing. Allele origin: germline. Inheritance: Autosomal recessive inheritance. Observed: 2 variant alleles.
Comment: The p.Glu768X variant in GPR98 has not been previously reported in individuals w ith hearing loss or Usher syndrome or in large population studies. This nonsense variant introduces a premature termination codon at position 768, which is pred icted to lead to a truncated or absent protein. Loss of GPR98 gene function is a known mechanism of autosomal recessive Usher syndrome. In summary, this variant meets criteria to be classified as pathogenic for Usher syndrome in an autosoma l recessive manner based upon the predicted impact to the protein and extremely low allele frequency in the general population.

NM_032119.4(ADGRV1):c.2302G>T (p.Glu768Ter)

Gene: ADGRV1 (adhesion G protein-coupled receptor V1; plus strand). Cytogenetic location: 5q14.3.
Variant type: single nucleotide variant.
Coding change: c.2302G>T on transcript NM_032119.4 (MANE Select); coding-DNA position 2302, G replaced by T.
Protein change: p.Glu768Ter; replaces glutamic acid 768 with a stop codon.
Molecular consequence: nonsense. On other transcripts: non-coding transcript variant (1).
Genome position (GRCh38, 1-based): chr5:90,642,697, G>T. VCF-style: chr5-90642697-G-T. GRCh37 (hg19) VCF-style: chr5-89938514-G-T.
Other names: short protein forms E768*.
Identifiers: ClinVar variation 504947 (VCV000504947.4), dbSNP rs1554068885, ClinGen allele CA360387381.